The following is an entry in ClinVar:

ClinVar aggregate classification (germline): Likely benign (1 of 4 stars; one submission).

Conditions:
SEMA3F-related disorder. Also called: SEMA3F-related condition.

gnomAD v4.1: 1 of 1,613,478 alleles (0.000062%); highest among the groups gnomAD compares: Non-Finnish European, 0.000085%; no homozygotes.

Submission:

PreventionGenetics, part of Exact Sciences
Classification: Likely benign for SEMA3F-related condition. Last evaluated: 2025-06-12. Review status: criteria provided, single submitter. Criteria: ACMG Guidelines, 2015. Collection method: clinical testing. Allele origin: germline.
Comment: This variant is classified as likely benign based on ACMG/AMP sequence variant interpretation guidelines (Richards et al. 2015 PMID: 25741868, with internal and published modifications).

NM_004186.5(SEMA3F):c.1019-6C>T

Gene: SEMA3F (semaphorin 3F; plus strand). Cytogenetic location: 3p21.31.
Variant type: single nucleotide variant.
Coding change: c.1019-6C>T on transcript NM_004186.5 (MANE Select); 6 bases into the intron before coding-DNA position 1019, C replaced by T.
Molecular consequence: intron variant.
Genome position (GRCh38, 1-based): chr3:50,183,180, C>T. VCF-style: chr3-50183180-C-T. GRCh37 (hg19) VCF-style: chr3-50220613-C-T.
Other names: c.722-6C>T (NM_001318798.2); c.926-6C>T (NM_001318800.2).
Identifiers: ClinVar variation 5002466 (VCV005002466.1).